The following is an entry in ClinVar:

Conditions:
Breast-ovarian cancer, familial, susceptibility to, 1 (BROVCA1). Also called: BRCA1 Hereditary Breast and Ovarian Cancer; OVARIAN CANCER, SUSCEPTIBILITY TO. Identifiers: Orphanet 145, MedGen C2676676, MONDO:0011450, OMIM 604370. Disease mechanism: loss of function.

gnomAD v4.1: 1 of 1,607,934 alleles (0.000062%); highest among the groups gnomAD compares: Non-Finnish European, 0.000085%; no homozygotes.

Submission:

Brotman Baty Institute, University of Washington
No classification provided (evidence only). Condition: Breast-ovarian cancer, familial 1. Review status: no classification provided. Collection method: in vitro. Allele origin: not applicable. Functional consequence: functionally_normal.
ClinVar note: "not provided" was previously submitted as the classification for the variant. However, the classification appeared to be based only on an observation of functional data so it was converted to no classification on 2025-07-30.

NM_007294.4(BRCA1):c.5152+8T>A

Gene: BRCA1 (BRCA1 DNA repair associated; minus strand). Cytogenetic location: 17q21.31.
Variant type: single nucleotide variant.
Coding change: c.5152+8T>A on transcript NM_007294.4 (MANE Select); 8 bases into the intron after coding-DNA position 5152, T replaced by A.
Molecular consequence: intron variant.
Genome position (GRCh38, 1-based): chr17:43,063,866, A>T on the plus strand (T>A on the coding strand, the complement: BRCA1 is on the minus strand). VCF-style: chr17-43063866-A-T. GRCh37 (hg19) VCF-style: chr17-41215883-A-T.
Other names: c.1699+8T>A (NM_001408458.1, NM_001408461.1, NM_001408464.1 and 7 more transcripts); c.4261+8T>A (NM_001407967.1); c.4771+8T>A (NM_001407959.1); c.4885+8T>A (NM_001407931.1, NM_001407932.1, NM_001407928.1 and 4 more transcripts); c.5008+8T>A (NM_001407747.1, NM_001407745.1, NM_001407737.1 and 21 more transcripts); c.4768+8T>A (NM_001407962.1, NM_001407960.1); c.1339+8T>A (NM_001408512.1); c.1462+8T>A (NM_001408510.1); and 73 more.
Identifiers: ClinVar variation 868724 (VCV000868724.3), dbSNP rs1567769120, ClinGen allele CA916080118.